The following is an entry in ClinVar:

ClinVar aggregate classification (germline): Likely benign (0 of 4 stars; one submission).

Conditions:
MATR3-related disorder. Also called: MATR3-related condition.

gnomAD v4.1: 1 of 1,608,728 alleles (0.000062%); highest among the groups gnomAD compares: Non-Finnish European, 0.000085%; no homozygotes.

Submission:

PreventionGenetics, part of Exact Sciences
Classification: Likely benign for MATR3-related condition. Last evaluated: 2023-01-12. Review status: no assertion criteria provided. Collection method: clinical testing. Allele origin: germline.
Comment: This variant is classified as likely benign based on ACMG/AMP sequence variant interpretation guidelines (Richards et al. 2015 PMID: 25741868, with internal and published modifications).

NM_018834.6(MATR3):c.2494-4A>T

Gene: MATR3 (matrin 3; plus strand). Cytogenetic location: 5q31.2.
Variant type: single nucleotide variant.
Coding change: c.2494-4A>T on transcript NM_018834.6 (MANE Select); 4 bases into the intron before coding-DNA position 2494, A replaced by T.
Molecular consequence: intron variant.
Genome position (GRCh38, 1-based): chr5:139,329,341, A>T. VCF-style: chr5-139329341-A-T. GRCh37 (hg19) VCF-style: chr5-138665030-A-T.
Other names: c.2494-4A>T (NM_001400451.1, NM_001400450.1, NM_001400455.1 and 11 more transcripts); c.2638-4A>T (NM_001400441.1, NM_001400444.1, NM_001400442.1 and 2 more transcripts); c.1633-4A>T (NM_001400459.1); c.1480-4A>T (NM_001400463.1, NM_001282278.2, NM_001400462.1 and 4 more transcripts); c.1624-4A>T (NM_001400460.1); c.1594-4A>T (NM_001400461.1); c.1630-4A>T (NM_001194956.2).
Identifiers: ClinVar variation 3355951 (VCV003355951.1).
Genomic context (GRCh38, chr5:139,329,341, plus strand): 5'-AATTAATCCATTTTGCTGCATTTCTCTTAGGTGACTTAATGGCTGTAATTCTCTTTCTTT[A>T]TAGAAATTTCTGAATAAATTGGCAGAAGAACGCAGACAGAAGAAGGAAACTTAAGATGTG-3'